The following is an entry in ClinVar:

ClinVar aggregate classification (germline): Uncertain significance. Review status: criteria provided, multiple submitters, no conflicts (2 of 4 stars). 2 submissions from 2 submitters: Uncertain significance (2). Last evaluated 2024-06-25.

Conditions:
Developmental and epileptic encephalopathy 94 (DEE94). Also called: Epileptic encephalopathy, childhood-onset; CHD2-Related Neurodevelopmental Disorders. Identifiers: Orphanet 1942, Orphanet 2382, MedGen C3809278, MONDO:0014150, OMIM 615369.

Submissions (2):

Labcorp Genetics (formerly Invitae), Labcorp
Classification: Uncertain significance for Developmental and epileptic encephalopathy 94. Last evaluated: 2024-06-25. Review status: criteria provided, single submitter. Criteria: Invitae Variant Classification Sherloc (09022015). Collection method: clinical testing. Allele origin: germline.
Comment: This sequence change replaces valine, which is neutral and non-polar, with leucine, which is neutral and non-polar, at codon 1352 of the CHD2 protein (p.Val1352Leu). This variant is not present in population databases (gnomAD no frequency). This variant has not been reported in the literature in individuals affected with CHD2-related conditions. Advanced modeling of protein sequence and biophysical properties (such as structural, functional, and spatial information, amino acid conservation, physicochemical variation, residue mobility, and thermodynamic stability) performed at Invitae indicates that this missense variant is not expected to disrupt CHD2 protein function with a negative predictive value of 95%. In summary, the available evidence is currently insufficient to determine the role of this variant in disease. Therefore, it has been classified as a Variant of Uncertain Significance.

GeneDx
Classification: Uncertain significance. Last evaluated: 2023-06-28. Review status: criteria provided, single submitter. Criteria: GeneDx Variant Classification Process June 2021. Collection method: clinical testing. Allele origin: germline. Affected: yes.
Comment: Not observed at significant frequency in large population cohorts (gnomAD); In silico analysis supports that this missense variant does not alter protein structure/function; Has not been previously published as pathogenic or benign to our knowledge

NM_001271.4(CHD2):c.4054G>C (p.Val1352Leu)

Gene: CHD2 (chromodomain helicase DNA binding protein 2; plus strand). Cytogenetic location: 15q26.1.
Variant type: single nucleotide variant.
Coding change: c.4054G>C on transcript NM_001271.4 (MANE Select); coding-DNA position 4054, G replaced by C.
Protein change: p.Val1352Leu; replaces valine 1352 with leucine.
Molecular consequence: missense variant.
Genome position (GRCh38, 1-based): chr15:93,000,557, G>C. VCF-style: chr15-93000557-G-C. GRCh37 (hg19) VCF-style: chr15-93543787-G-C.
Other names: short protein forms V1352L.
Identifiers: ClinVar variation 3360402 (VCV003360402.3).
Genomic context (GRCh38, chr15:93,000,557, plus strand): 5'-TCTCTCCTTTTCCAGGCCAAATTAAAGAAGCGGAAGCCTCGGGTAAAGAAGGAAAACAAA[G>C]TGCCCAGGCTGAAAGAGGAGCATGGAATTGAGCTTTCATCTCCTAGGCATTCAGATAATC-3'
Protein context (NP_001262.3, residues 1342-1362): RKPRVKKENK[Val1352Leu]PRLKEEHGIE